The following is an entry in ClinVar:

ClinVar aggregate classification (germline): Conflicting classifications of pathogenicity. Review status: criteria provided, conflicting classifications (1 of 4 stars). 5 submissions from 5 submitters: Uncertain significance (2); Likely benign (3). Last evaluated 2025-05-19.

Conditions:
Familial thoracic aortic aneurysm and aortic dissection (TAAD). Also called: Thoracic aortic aneurysms and dissections. Identifiers: Orphanet 91387, MedGen C4707243, MONDO:0019625.
Ehlers-Danlos syndrome, type 4 (EDSVASC). Also called: Ehlers-Danlos syndrome vascular type; Ehlers Danlos syndrome, ecchymotic type; Ehlers Danlos syndrome, arterial type; Ehlers Danlos syndrome, Sack-Barabas type; Ehlers-Danlos Syndrome Type IV. Identifiers: Orphanet 286, MedGen C0268338, MONDO:0017314, OMIM 130050.

Allele frequency attached by ClinVar (database versions not stated): gnomAD 0.00001; gnomAD exomes 0.00001; ExAC 0.00002; TOPMed 0.00002.
gnomAD v4.1: 42 of 1,613,694 alleles (0.0026%); highest among the groups gnomAD compares: Admixed American, 0.0033%; no homozygotes.

Submissions (5):

Labcorp Genetics (formerly Invitae), Labcorp
Classification: Uncertain significance for Ehlers-Danlos syndrome, type 4. Last evaluated: 2025-05-19. Review status: criteria provided, single submitter. Criteria: Invitae Variant Classification Sherloc (09022015). Collection method: clinical testing. Allele origin: germline.
Comment: This sequence change falls in intron 12 of the COL3A1 gene. It does not directly change the encoded amino acid sequence of the COL3A1 protein. This variant is present in population databases (rs763316592, gnomAD 0.006%). This variant has been observed in individuals with an abdominal aortic aneurysm (PMID: 26017485). ClinVar contains an entry for this variant (Variation ID: 529326). Algorithms developed to predict the effect of sequence changes on RNA splicing suggest that this variant may disrupt the consensus splice site. In summary, the available evidence is currently insufficient to determine the role of this variant in disease. Therefore, it has been classified as a Variant of Uncertain Significance.

Blueprint Genetics
Classification: Likely benign. Last evaluated: 2022-10-05. Review status: criteria provided, single submitter. Criteria: ACMG Guidelines, 2015. Collection method: clinical testing. Allele origin: germline.

Mayo Clinic Laboratories, Mayo Clinic
Classification: Uncertain significance. Last evaluated: 2021-03-09. Review status: criteria provided, single submitter. Criteria: ACMG Guidelines, 2015. Collection method: clinical testing. Allele origin: germline. Observed: 1 variant allele.

Color Diagnostics, LLC DBA Color Health
Classification: Likely benign for Familial thoracic aortic aneurysm and aortic dissection. Last evaluated: 2019-01-22. Review status: criteria provided, single submitter. Criteria: ACMG Guidelines, 2015. Collection method: clinical testing. Allele origin: germline.

GeneDx
Classification: Likely benign. Last evaluated: 2018-04-06. Review status: criteria provided, single submitter. Criteria: GeneDx Variant Classification (06012015). Collection method: clinical testing. Allele origin: germline. Affected: yes.
Comment: This variant is considered likely benign or benign based on one or more of the following criteria: it is a conservative change, it occurs at a poorly conserved position in the protein, it is predicted to be benign by multiple in silico algorithms, and/or has population frequency not consistent with disease.

Literature cited by the submitters: PubMed 26017485 (cited by Labcorp Genetics (formerly Invitae), Labcorp).

NM_000090.4(COL3A1):c.898-14A>G

Gene: COL3A1 (collagen type III alpha 1 chain; plus strand). Cytogenetic location: 2q32.2.
Variant type: single nucleotide variant.
Coding change: c.898-14A>G on transcript NM_000090.4 (MANE Select); 14 bases into the intron before coding-DNA position 898, A replaced by G.
Molecular consequence: intron variant.
Genome position (GRCh38, 1-based): chr2:188,991,655, A>G. VCF-style: chr2-188991655-A-G. GRCh37 (hg19) VCF-style: chr2-189856381-A-G.
Identifiers: ClinVar variation 529326 (VCV000529326.16), dbSNP rs763316592, ClinGen allele CA077044.